The following is an entry in ClinVar:

ClinVar aggregate classification (germline): Uncertain significance (1 of 4 stars; one submission).

Conditions:
Cardiovascular phenotype. Identifiers: MedGen CN230736.

Allele frequency attached by ClinVar (database versions not stated): gnomAD exomes below 0.00001.

Submission:

Ambry Genetics
Classification: Uncertain significance for Cardiovascular phenotype. Last evaluated: 2022-06-06. Review status: criteria provided, single submitter. Criteria: Ambry Variant Classification Scheme 2023. Collection method: clinical testing. Allele origin: germline.
Comment: The p.D49N variant (also known as c.145G>A), located in coding exon 1 of the ALPK3 gene, results from a G to A substitution at nucleotide position 145. The aspartic acid at codon 49 is replaced by asparagine, an amino acid with highly similar properties. This amino acid position is conserved. In addition, this alteration is predicted to be tolerated by in silico analysis. Since supporting evidence is limited at this time, the clinical significance of this alteration remains unclear.

NM_020778.4(ALPK3):c.145G>A (p.Asp49Asn)

Gene: ALPK3 (alpha kinase 3; plus strand). Cytogenetic location: 15q25.3.
Variant type: single nucleotide variant.
Coding change: c.145G>A on transcript NM_020778.4; coding-DNA position 145, G replaced by A.
Protein change: p.Asp49Asn; replaces aspartic acid 49 with asparagine.
Genome position (GRCh38, 1-based): chr15:84,816,991, G>A. VCF-style: chr15-84816991-G-A. GRCh37 (hg19) VCF-style: chr15-85360222-G-A.
Other names: short protein forms D49N.
Identifiers: ClinVar variation 1773126 (VCV001773126.2), dbSNP rs1963364338, ClinGen allele CA393368298.